The following is an entry in ClinVar:

NM_000379.4(XDH):c.3581G>T (p.Gly1194Val)

Gene: XDH (xanthine dehydrogenase; minus strand). Cytogenetic location: 2p23.1.
Variant type: single nucleotide variant.
Coding change: c.3581G>T on transcript NM_000379.4 (MANE Select); coding-DNA position 3581, G replaced by T.
Protein change: p.Gly1194Val; replaces glycine 1194 with valine.
Molecular consequence: missense variant.
Genome position (GRCh38, 1-based): chr2:31,341,333, C>A on the plus strand (G>T on the coding strand, the complement: XDH is on the minus strand). VCF-style: chr2-31341333-C-A. GRCh37 (hg19) VCF-style: chr2-31564199-C-A.
Other names: short protein forms G1194V.
Identifiers: ClinVar variation 952096 (VCV000952096.9), dbSNP rs1388492434, ClinGen allele CA346495759.

ClinVar aggregate classification (germline): Uncertain significance (1 of 4 stars; one submission).

Conditions:
Xanthinuria type II. Also called: Xanthine dehydrogenase and aldehyde oxidase combined deficiency of; XDH and AOX dual deficiency. Identifiers: Orphanet 3467, Orphanet 93602, MedGen C1863688, MONDO:0011346, OMIM 603592.

Allele frequency attached by ClinVar (database versions not stated): TOPMed 0.00001; gnomAD 0.00002.
gnomAD v4.1: 8 of 1,571,820 alleles (0.00051%); highest among the groups gnomAD compares: African/African-American, 0.0054%; no homozygotes.

Submission:

Labcorp Genetics (formerly Invitae), Labcorp
Classification: Uncertain significance for Xanthinuria type II. Last evaluated: 2019-08-18. Review status: criteria provided, single submitter. Criteria: Invitae Variant Classification Sherloc (09022015). Collection method: clinical testing. Allele origin: germline.
Comment: Algorithms developed to predict the effect of missense changes on protein structure and function (SIFT, PolyPhen-2, Align-GVGD) all suggest that this variant is likely to be disruptive, but these predictions have not been confirmed by published functional studies and their clinical significance is uncertain. This variant has not been reported in the literature in individuals with XDH-related conditions. This variant is not present in population databases (ExAC no frequency). This sequence change replaces glycine with valine at codon 1194 of the XDH protein (p.Gly1194Val). The glycine residue is highly conserved and there is a moderate physicochemical difference between glycine and valine. In summary, the available evidence is currently insufficient to determine the role of this variant in disease. Therefore, it has been classified as a Variant of Uncertain Significance.